The following is an entry in ClinVar:

NM_004725.4(BUB3):c.548G>T (p.Arg183Leu)

Gene: BUB3 (BUB3 mitotic checkpoint protein; plus strand). Cytogenetic location: 10q26.13.
Variant type: single nucleotide variant.
Coding change: c.548G>T on transcript NM_004725.4 (MANE Select); coding-DNA position 548, G replaced by T.
Protein change: p.Arg183Leu; replaces arginine 183 with leucine.
Molecular consequence: missense variant.
Genome position (GRCh38, 1-based): chr10:123,160,537, G>T. VCF-style: chr10-123160537-G-T. GRCh37 (hg19) VCF-style: chr10-124920053-G-T.
Other names: c.548G>T, p.Arg183Leu (NM_001007793.3); short protein forms R183L.
Identifiers: ClinVar variation 1747845 (VCV001747845.2), dbSNP rs753417733, ClinGen allele CA378626339.

ClinVar aggregate classification (germline): Uncertain significance (1 of 4 stars; one submission).

gnomAD v4.1: 1 of 1,607,736 alleles (0.000062%); highest among the groups gnomAD compares: Non-Finnish European, 0.000085%; no homozygotes.

Submission:

Ambry Genetics
Classification: Uncertain significance. Last evaluated: 2022-10-17. Review status: criteria provided, single submitter. Criteria: Ambry Variant Classification Scheme 2023. Collection method: clinical testing. Allele origin: germline.
Comment: The p.R183L variant (also known as c.548G>T), located in coding exon 4 of the BUB3 gene, results from a G to T substitution at nucleotide position 548. The arginine at codon 183 is replaced by leucine, an amino acid with dissimilar properties. This amino acid position is conserved. In addition, this alteration is predicted to be deleterious by in silico analysis. Since supporting evidence is limited at this time, the clinical significance of this alteration remains unclear.